The following is an entry in ClinVar:

NM_000051.4(ATM):c.4882A>G (p.Met1628Val)

Gene: ATM (ATM serine/threonine kinase; plus strand). Cytogenetic location: 11q22.3.
Variant type: single nucleotide variant.
Coding change: c.4882A>G on transcript NM_000051.4 (MANE Select); coding-DNA position 4882, A replaced by G.
Protein change: p.Met1628Val; replaces methionine 1628 with valine.
Molecular consequence: missense variant.
Genome position (GRCh38, 1-based): chr11:108,295,032, A>G. VCF-style: chr11-108295032-A-G. GRCh37 (hg19) VCF-style: chr11-108165759-A-G.
Other names: c.4882A>G, p.Met1628Val (NM_001351834.2); c.4882A>G (NM_000051.3); short protein forms M1628V.
Identifiers: ClinVar variation 1430685 (VCV001430685.9), dbSNP rs1591685091, ClinGen allele CA382537175.
Genomic context (GRCh38, chr11:108,295,032, plus strand): 5'-TTGACAAGACTTGAAGGACTAAAGGATCTTCGAAGACAACTGGAACTACATAAAGATCAG[A>G]TGGTGGACATTATGAGAGCTTCTCAGGGTGCTAATTTTAAATGACATGGGCTATTTCTAC-3'
Protein context (NP_000042.3, residues 1618-1638): RRQLELHKDQ[Met1628Val]VDIMRASQDN

ClinVar aggregate classification (germline): Uncertain significance. Review status: criteria provided, multiple submitters, no conflicts (2 of 4 stars). 2 submissions from 2 submitters: Uncertain significance (2). Last evaluated 2024-10-15.

Conditions:
Hereditary cancer-predisposing syndrome. Also called: Hereditary neoplastic syndrome; Tumor predisposition; Hereditary Cancer Syndrome; Neoplastic Syndromes, Hereditary. Identifiers: Orphanet 140162, MedGen C0027672, MeSH D009386, MONDO:0015356.
Ataxia-telangiectasia syndrome (AT). Also called: Ataxia telangiectasia (A-T); LOUIS-BAR SYNDROME; Cerebello-oculocutaneous telangiectasia; Immunodeficiency with ataxia telangiectasia; AT, COMPLEMENTATION GROUP C; Ataxia-telangiectasia, complementation group D. Identifiers: Orphanet 100, MedGen C0004135, MONDO:0008840, OMIM 208900.

Submissions (2):

Ambry Genetics
Classification: Uncertain significance for Hereditary cancer-predisposing syndrome. Last evaluated: 2024-10-15. Review status: criteria provided, single submitter. Criteria: Ambry Variant Classification Scheme 2023. Collection method: clinical testing. Allele origin: germline.
Comment: The p.M1628V variant (also known as c.4882A>G), located in coding exon 31 of the ATM gene, results from an A to G substitution at nucleotide position 4882. The methionine at codon 1628 is replaced by valine, an amino acid with highly similar properties. This amino acid position is not well conserved in available vertebrate species. In addition, this alteration is predicted to be tolerated by in silico analysis. Based on the available evidence, the clinical significance of this variant remains unclear.

Labcorp Genetics (formerly Invitae), Labcorp
Classification: Uncertain significance for Ataxia-telangiectasia syndrome. Last evaluated: 2021-05-10. Review status: criteria provided, single submitter. Criteria: Invitae Variant Classification Sherloc (09022015). Collection method: clinical testing. Allele origin: germline.
Comment: This sequence change replaces methionine with valine at codon 1628 of the ATM protein (p.Met1628Val). The methionine residue is moderately conserved and there is a small physicochemical difference between methionine and valine. This variant is not present in population databases (ExAC no frequency). This variant has not been reported in the literature in individuals with ATM-related conditions. Advanced modeling of protein sequence and biophysical properties (such as structural, functional, and spatial information, amino acid conservation, physicochemical variation, residue mobility, and thermodynamic stability) performed at Invitae indicates that this missense variant is not expected to disrupt ATM protein function. Algorithms developed to predict the effect of sequence changes on RNA splicing suggest that this variant may create or strengthen a splice site, but this prediction has not been confirmed by published transcriptional studies. In summary, the available evidence is currently insufficient to determine the role of this variant in disease. Therefore, it has been classified as a Variant of Uncertain Significance.